The following is an entry in ClinVar:

NM_020800.3(IFT80):c.1208T>G (p.Phe403Cys)

Genes: TRIM59-IFT80 (TRIM59-IFT80 readthrough (NMD candidate); minus strand), IFT80 (intraflagellar transport 80; minus strand). Cytogenetic location: 3q25.33.
Variant type: single nucleotide variant.
Coding change: c.1208T>G on transcript NM_020800.3 (MANE Select); coding-DNA position 1208, T replaced by G.
Protein change: p.Phe403Cys; replaces phenylalanine 403 with cysteine.
Molecular consequence: missense variant. On other transcripts: non-coding transcript variant (3).
Genome position (GRCh38, 1-based): chr3:160,300,990, A>C on the plus strand (T>G on the coding strand, the complement: IFT80 is on the minus strand). VCF-style: chr3-160300990-A-C. GRCh37 (hg19) VCF-style: chr3-160018778-A-C.
Other names: c.797T>G, p.Phe266Cys (NM_001190241.2, NM_001190242.2); short protein forms F403C, F266C.
Identifiers: ClinVar variation 959856 (VCV000959856.7), dbSNP rs142536602, ClinGen allele CA2685221.

ClinVar aggregate classification (germline): Uncertain significance (1 of 4 stars; one submission).

Conditions:
Jeune thoracic dystrophy. Also called: Jeune syndrome; Infantile thoracic dystrophy; Thoracic pelvic phalangeal dystrophy; Jeune's syndrome; Chondroectodermal dysplasia-like syndrome; Short-rib thoracic dysplasia. Identifiers: Orphanet 474, MedGen C0265275, MONDO:0018770.

Allele frequency attached by ClinVar (database versions not stated): gnomAD exomes below 0.00001; ExAC 0.00001; TOPMed 0.00001; ESP Exome Variant Server 0.00008.
gnomAD v4.1: 3 of 1,605,226 alleles (0.00019%); highest among the groups gnomAD compares: Non-Finnish European, 0.00026%; no homozygotes.

Submission:

Labcorp Genetics (formerly Invitae), Labcorp
Classification: Uncertain significance for Jeune thoracic dystrophy. Last evaluated: 2022-07-19. Review status: criteria provided, single submitter. Criteria: Invitae Variant Classification Sherloc (09022015). Collection method: clinical testing. Allele origin: germline.
Comment: This sequence change replaces phenylalanine, which is neutral and non-polar, with cysteine, which is neutral and slightly polar, at codon 403 of the IFT80 protein (p.Phe403Cys). This variant is present in population databases (rs142536602, gnomAD 0.002%). This variant has not been reported in the literature in individuals affected with IFT80-related conditions. ClinVar contains an entry for this variant (Variation ID: 959856). Algorithms developed to predict the effect of missense changes on protein structure and function are either unavailable or do not agree on the potential impact of this missense change (SIFT: "Deleterious"; PolyPhen-2: "Benign"; Align-GVGD: "Class C25"). In summary, the available evidence is currently insufficient to determine the role of this variant in disease. Therefore, it has been classified as a Variant of Uncertain Significance.